The following is an entry in ClinVar:

NM_001271.4(CHD2):c.2395C>T (p.Leu799=)

Gene: CHD2 (chromodomain helicase DNA binding protein 2; plus strand). Cytogenetic location: 15q26.1.
Variant type: single nucleotide variant.
Coding change: c.2395C>T on transcript NM_001271.4 (MANE Select); coding-DNA position 2395, C replaced by T.
Protein change: p.Leu799=; no amino-acid change (leucine 799 retained).
Molecular consequence: synonymous variant.
Genome position (GRCh38, 1-based): chr15:92,972,307, C>T. VCF-style: chr15-92972307-C-T. GRCh37 (hg19) VCF-style: chr15-93515537-C-T.
Other names: c.2395C>T (NM_001271.3).
Identifiers: ClinVar variation 1141882 (VCV001141882.11), dbSNP rs369618673, ClinGen allele CA7747974.

ClinVar aggregate classification (germline): Likely benign. Review status: criteria provided, single submitter (1 of 4 stars). 2 submissions from 2 submitters: Likely benign (1). 1 of the submissions does not count toward it. Last evaluated 2025-04-07.

Conditions:
CHD2-related disorder. Also called: CHD2-related condition.
Developmental and epileptic encephalopathy 94 (DEE94). Also called: Epileptic encephalopathy, childhood-onset; CHD2-Related Neurodevelopmental Disorders. Identifiers: Orphanet 1942, Orphanet 2382, MedGen C3809278, MONDO:0014150, OMIM 615369.

Allele frequency attached by ClinVar (database versions not stated): ExAC 0.00001; gnomAD exomes 0.00001 and 0.00003; gnomAD 0.00002 and 0.00003; TOPMed 0.00003; ESP Exome Variant Server 0.00008.
gnomAD v4.1: 41 of 1,612,354 alleles (0.0025%); highest among the groups gnomAD compares: Non-Finnish European, 0.0032%; no homozygotes.

Submissions (2):

Labcorp Genetics (formerly Invitae), Labcorp
Classification: Likely benign for Developmental and epileptic encephalopathy 94. Last evaluated: 2025-04-07. Review status: criteria provided, single submitter. Criteria: Invitae Variant Classification Sherloc (09022015). Collection method: clinical testing. Allele origin: germline.

PreventionGenetics, part of Exact Sciences
Classification: Likely benign for CHD2-related condition. Last evaluated: 2019-03-06. Review status: no assertion criteria provided. Collection method: clinical testing. Allele origin: germline. Not counted in ClinVar's aggregate classification.
Comment: This variant is classified as likely benign based on ACMG/AMP sequence variant interpretation guidelines (Richards et al. 2015 PMID: 25741868, with internal and published modifications).